The following is an entry in ClinVar:

ClinVar aggregate classification (germline): Pathogenic (1 of 4 stars; one submission).

Conditions:
Cortical dysplasia, complex, with other brain malformations 10. Identifiers: MedGen C5231458, MONDO:0032866, OMIM 618677.

Submission:

3billion
Classification: Pathogenic for Cortical dysplasia, complex, with other brain malformations 10. Last evaluated: 2025-05-13. Review status: criteria provided, single submitter. Criteria: ACMG Guidelines, 2015. Collection method: clinical testing. Allele origin: germline. Affected: yes.
Comment: The variant is not observed in the gnomAD v4.1.0 dataset. Predicted Consequence/Location: Frameshift: predicted to result in a loss or disruption of normal protein function through nonsense-mediated decay (NMD) or protein truncation. Multiple pathogenic variants are reported downstream of the variant. Therefore, this variant is classified as Pathogenic according to the recommendation of ACMG/AMP guideline.

NM_005883.3(APC2):c.1655dup (p.Ser552fs)

Gene: APC2 (APC regulator of Wnt signaling pathway 2; plus strand). Cytogenetic location: 19p13.3.
Variant type: Duplication.
Coding change: c.1655dup on transcript NM_005883.3 (MANE Select); coding-DNA position 1655, one base duplicated (G; older notation c.1655dupG).
Protein change: p.Ser552fs; shifts the reading frame from serine 552.
Molecular consequence: frameshift variant.
Genome position (GRCh38, 1-based): chr19:1,461,979, G duplicated. VCF-style (leftmost placement, unchanged base first): chr19-1461978-A-AG. GRCh37 (hg19) VCF-style: chr19-1461977-A-AG.
Other names: c.1652dup, p.Ser551fs (NM_001351273.1); short protein forms S551fs, S552fs.
Identifiers: ClinVar variation 4854672 (VCV004854672.1).
Genomic context (GRCh38, chr19:1,461,978, plus strand): 5'-GGGCCACTCAGGCCCTGACCCGCCCCTCTCCCGCCCCTCGTCCAGGAGTCCACCCTGAAG[A>AG]GCGTGCTGAGCGCCCTGTGGAATCTGTCTGCACACAGCACAGAGAACAAGGCGGCCATCT-3'